The following is an entry in ClinVar:

ClinVar aggregate classification (germline): Conflicting classifications of pathogenicity. Review status: criteria provided, conflicting classifications (1 of 4 stars). 6 submissions from 6 submitters: Likely pathogenic (1); Uncertain significance (5). Last evaluated 2026-03-25.

Conditions:
Cone-rod dystrophy 3 (CORD3). Identifiers: Orphanet 1872, MedGen C1858806, MONDO:0011395, OMIM 604116.
Severe early-childhood-onset retinal dystrophy (STGD1). Also called: Stargardt macular dystrophy; Juvenile onset macular degeneration; Stargardt disease 1; MACULAR DYSTROPHY WITH FLECKS, TYPE 1; STGD. Identifiers: Orphanet 364055, Orphanet 827, MedGen C1855465, MeSH D000080362, MONDO:0009549, OMIM 248200.
Retinitis pigmentosa 19 (RP19). Also called: ABCA4-Related Retinitis Pigmentosa. Identifiers: Orphanet 791, MedGen C1866422, MONDO:0011137, OMIM 601718.
Retinal dystrophy. Also called: Inherited retinal dystrophy. Identifiers: Orphanet 71862, MedGen C0854723, MeSH D058499, MONDO:0019118, HP:0000556.
ABCA4-related disorder. Also called: ABCA4-related disorders; ABCA4-related condition. Identifiers: MedGen CN239167.

Allele frequency attached by ClinVar (database versions not stated): gnomAD 0.00003 and 0.00005; gnomAD exomes 0.00014 and 0.00009; ExAC 0.00019; TOPMed 0.00002.
gnomAD v4.1: 121 of 1,446,558 alleles (0.0084%); highest among the groups gnomAD compares: South Asian, 0.11%; no homozygotes.

Submissions (6):

PreventionGenetics, part of Exact Sciences
Classification: Uncertain significance for ABCA4-related condition. Last evaluated: 2026-03-25. Review status: criteria provided, single submitter. Criteria: ACMG Guidelines, 2015. Collection method: clinical testing. Allele origin: germline.
Comment: The ABCA4 c.1319A>G variant is predicted to result in the amino acid substitution p.Tyr440Cys. This variant was reported in large cohorts of individuals with retinal disease (supplementary data, Bauwens et al. 2015. PubMed ID: 25346251; supplementary data, Weisschuh et al. 2020. PubMed ID: 32531858; supplementary data, Panneman et al. 2023. PubMed ID: 36819107). This variant is reported in 0.10% of alleles in individuals of South Asian descent in gnomAD. At this time, the clinical significance of this variant is uncertain due to the absence of conclusive functional and genetic evidence.

Blueprint Genetics
Classification: Uncertain significance. Last evaluated: 2024-06-10. Review status: criteria provided, single submitter. Criteria: ACMG Guidelines, 2015. Collection method: clinical testing. Allele origin: germline.

Labcorp Genetics (formerly Invitae), Labcorp
Classification: Uncertain significance. Last evaluated: 2022-07-31. Review status: criteria provided, single submitter. Criteria: Invitae Variant Classification Sherloc (09022015). Collection method: clinical testing. Allele origin: germline.
Comment: This sequence change replaces tyrosine, which is neutral and polar, with cysteine, which is neutral and slightly polar, at codon 440 of the ABCA4 protein (p.Tyr440Cys). This variant is present in population databases (rs770439859, gnomAD 0.1%). This missense change has been observed in individual(s) with cone-rod dystrophy (PMID: 25346251). ClinVar contains an entry for this variant (Variation ID: 298262). Algorithms developed to predict the effect of missense changes on protein structure and function are either unavailable or do not agree on the potential impact of this missense change (SIFT: "Tolerated"; PolyPhen-2: "Possibly Damaging"; Align-GVGD: "Class C15"). In summary, the available evidence is currently insufficient to determine the role of this variant in disease. Therefore, it has been classified as a Variant of Uncertain Significance.

Illumina Laboratory Services, Illumina
Classification: Uncertain significance for ABCA4-Related Disorders. Last evaluated: 2018-01-13. Review status: criteria provided, single submitter. Criteria: ICSL Variant Classification Criteria 13 December 2019. Collection method: clinical testing. Allele origin: germline.

GeneDx
Classification: Uncertain significance. Last evaluated: 2017-08-07. Review status: criteria provided, single submitter. Criteria: GeneDx Variant Classification (06012015). Collection method: clinical testing. Allele origin: germline. Affected: yes.
Comment: The Y440C variant in the ABCA4 gene has been previously reported in the heterozygous state in an individual with cone rod dystrophy (Bauwens et al., 2015). While not observed in the homozygous state, the Y440C variant is observed in 20/16512 (0.12%) alleles from individuals of South Asian background in the ExAC dataset (Lek et al., 2016). The Y440C variant is a non-conservative amino acid substitution, which is likely to impact secondary protein structure as these residues differ in polarity, charge, size and/or other properties. This substitution occurs at a position that is not conserved, and in silico analysis is inconsistent in its predictions as to whether or not the variant is damaging to the protein structure/function. We interpret Y440C as a variant of uncertain significance.

Institute of Human Genetics, Univ. Regensburg, Univ. Regensburg
Classification: Likely pathogenic for Retinal dystrophy. Last evaluated: 2014-01-01. Review status: criteria provided, single submitter. Criteria: ACMG Guidelines, 2015. Collection method: clinical testing. Allele origin: germline. Affected: yes.

Literature cited by the submitters: PubMed 25346251 (cited by Labcorp Genetics (formerly Invitae), Labcorp and Institute of Human Genetics, Univ. Regensburg, Univ. Regensburg); PubMed 32531858 (cited by Institute of Human Genetics, Univ. Regensburg, Univ. Regensburg); PubMed 34426522 (cited by Institute of Human Genetics, Univ. Regensburg, Univ. Regensburg); PubMed 36819107 (cited by Institute of Human Genetics, Univ. Regensburg, Univ. Regensburg).

NM_000350.3(ABCA4):c.1319A>G (p.Tyr440Cys)

Gene: ABCA4 (ATP binding cassette subfamily A member 4; minus strand). Cytogenetic location: 1p22.1.
Variant type: single nucleotide variant.
Coding change: c.1319A>G on transcript NM_000350.3 (MANE Select); coding-DNA position 1319, A replaced by G.
Protein change: p.Tyr440Cys; replaces tyrosine 440 with cysteine.
Molecular consequence: missense variant.
Genome position (GRCh38, 1-based): chr1:94,078,627, T>C on the plus strand (A>G on the coding strand, the complement: ABCA4 is on the minus strand). VCF-style: chr1-94078627-T-C. GRCh37 (hg19) VCF-style: chr1-94544183-T-C.
Other names: c.1319A>G, p.Tyr440Cys (NM_001425324.1); short protein forms Y440C.
Identifiers: ClinVar variation 298262 (VCV000298262.15), dbSNP rs770439859, ClinGen allele CA958572.